The following is an entry in ClinVar:

ClinVar aggregate classification (germline): Benign (0 of 4 stars; one submission).

Conditions:
ART4-related disorder. Also called: ART4-related condition.

Allele frequency attached by ClinVar (database versions not stated): 1000 Genomes Project 0.29273; 1000 Genomes Project 30x 0.29357; gnomAD 0.33813; TOPMed 0.34086; ExAC 0.34881; ESP Exome Variant Server 0.35591; gnomAD exomes 0.37765.

Submission:

PreventionGenetics, part of Exact Sciences
Classification: Benign for ART4-related condition. Last evaluated: 2019-10-17. Review status: no assertion criteria provided. Collection method: clinical testing. Allele origin: germline.
Comment: This variant is classified as benign based on ACMG/AMP sequence variant interpretation guidelines (Richards et al. 2015 PMID: 25741868, with internal and published modifications).

NM_021071.4(ART4):c.624C>T (p.Leu208=)

Gene: ART4 (ADP-ribosyltransferase 4 (inactive) (Dombrock blood group); minus strand). Cytogenetic location: 12p12.3.
Variant type: single nucleotide variant.
Coding change: c.624C>T on transcript NM_021071.4 (MANE Select); coding-DNA position 624, C replaced by T.
Protein change: p.Leu208=; no amino-acid change (leucine 208 retained).
Molecular consequence: synonymous variant.
Genome position (GRCh38, 1-based): chr12:14,840,674, G>A on the plus strand (C>T on the coding strand, the complement: ART4 is on the minus strand). VCF-style: chr12-14840674-G-A. GRCh37 (hg19) VCF-style: chr12-14993608-G-A.
Other names: c.624C>T, p.Leu208= (NM_001354646.2).
Identifiers: ClinVar variation 3059324 (VCV003059324.2), dbSNP rs3088189, ClinGen allele CA6464940.